The following is an entry in ClinVar:

NM_002303.6(LEPR):c.2674-3034G>C

Gene: LEPR (leptin receptor; plus strand). Cytogenetic location: 1p31.3.
Variant type: single nucleotide variant.
Coding change: c.2674-3034G>C on transcript NM_002303.6 (MANE Select); 3034 bases into the intron before coding-DNA position 2674, G replaced by C.
Molecular consequence: intron variant. On other transcripts: synonymous variant (2).
Genome position (GRCh38, 1-based): chr1:65,633,157, G>C. VCF-style: chr1-65633157-G-C. GRCh37 (hg19) VCF-style: chr1-66098840-G-C.
Other names: c.2679G>C, p.Thr893= (NM_001003679.3, NM_001198689.2).
Identifiers: ClinVar variation 3358117 (VCV003358117.1).

ClinVar aggregate classification (germline): Likely benign (0 of 4 stars; one submission).

Conditions:
LEPR-related disorder. Also called: LEPR-related condition; LEPR-related disorders.

gnomAD v4.1: 2 of 1,591,674 alleles (0.00013%); highest among the groups gnomAD compares: Non-Finnish European, 0.00017%; no homozygotes.

Submission:

PreventionGenetics, part of Exact Sciences
Classification: Likely benign for LEPR-related condition. Last evaluated: 2021-02-17. Review status: no assertion criteria provided. Collection method: clinical testing. Allele origin: germline.
Comment: This variant is classified as likely benign based on ACMG/AMP sequence variant interpretation guidelines (Richards et al. 2015 PMID: 25741868, with internal and published modifications).